The following is an entry in ClinVar:

ClinVar aggregate classification (germline): Uncertain significance. Review status: criteria provided, multiple submitters, no conflicts (2 of 4 stars). 2 submissions from 2 submitters: Uncertain significance (2). Last evaluated 2025-06-10.

Conditions:
Cardiovascular phenotype. Identifiers: MedGen CN230736.

Allele frequency attached by ClinVar (database versions not stated): ExAC 0.00007; gnomAD 0.00001; gnomAD exomes 0.00002.
gnomAD v4.1: 30 of 1,612,790 alleles (0.0019%); highest among the groups gnomAD compares: South Asian, 0.016%; no homozygotes.

Submissions (2):

Revvity Omics, Revvity
Classification: Uncertain significance. Last evaluated: 2025-06-10. Review status: criteria provided, single submitter. Criteria: ACMG Guidelines, 2015. Collection method: clinical testing. Allele origin: germline.

Ambry Genetics
Classification: Uncertain significance for Cardiovascular phenotype. Last evaluated: 2020-01-09. Review status: criteria provided, single submitter. Criteria: Ambry Variant Classification Scheme 2023. Collection method: clinical testing. Allele origin: germline.
Comment: The p.R7840C variant (also known as c.23518C>T), located in coding exon 96 of the TTN gene, results from a C to T substitution at nucleotide position 23518. The arginine at codon 7840 is replaced by cysteine, an amino acid with highly dissimilar properties. This amino acid position is highly conserved in available vertebrate species. In addition, this alteration is predicted to be tolerated by in silico analysis. Since supporting evidence is limited at this time, the clinical significance of this alteration remains unclear.

NM_001267550.2(TTN):c.50713C>T (p.Arg16905Cys)

Genes: TTN (titin; minus strand), TTN-AS1 (TTN antisense RNA 1; plus strand). Cytogenetic location: 2q31.2.
Variant type: single nucleotide variant.
Coding change: c.50713C>T on transcript NM_001267550.2 (MANE Select); coding-DNA position 50713, C replaced by T.
Protein change: p.Arg16905Cys; replaces arginine 16905 with cysteine.
Molecular consequence: missense variant.
Genome position (GRCh38, 1-based): chr2:178,611,516, G>A on the plus strand (C>T on the coding strand, the complement: TTN is on the minus strand). VCF-style: chr2-178611516-G-A. GRCh37 (hg19) VCF-style: chr2-179476243-G-A.
Other names: c.45790C>T, p.Arg15264Cys (NM_001256850.1); c.23518C>T, p.Arg7840Cys (NM_003319.4); c.43009C>T, p.Arg14337Cys (NM_133378.4); c.23893C>T, p.Arg7965Cys (NM_133432.3); c.24094C>T, p.Arg8032Cys (NM_133437.4); short protein forms R16905C, R14337C, R7840C, R7965C, R8032C, R15264C.
Identifiers: ClinVar variation 1790010 (VCV001790010.3), dbSNP rs267599049, ClinGen allele CA1994321.